The following is an entry in ClinVar:

NM_170754.4(TNS2):c.685C>T (p.Leu229=)

Gene: TNS2 (tensin 2; plus strand). Cytogenetic location: 12q13.13.
Variant type: single nucleotide variant.
Coding change: c.685C>T on transcript NM_170754.4 (MANE Select); coding-DNA position 685, C replaced by T.
Protein change: p.Leu229=; no amino-acid change (leucine 229 retained).
Molecular consequence: synonymous variant.
Genome position (GRCh38, 1-based): chr12:53,055,679, C>T. VCF-style: chr12-53055679-C-T. GRCh37 (hg19) VCF-style: chr12-53449463-C-T.
Other names: c.685C>T, p.Leu229= (NM_001416202.1, NM_001416204.1); c.616C>T, p.Leu206= (NM_001416203.1, NM_015319.3); c.313C>T, p.Leu105= (NM_198316.2).
Identifiers: ClinVar variation 3030088 (VCV003030088.2), dbSNP rs568862039, ClinGen allele CA6592016.

ClinVar aggregate classification (germline): Likely benign (0 of 4 stars; one submission).

Conditions:
TNS2-related disorder. Also called: TNS2-related condition.

Allele frequency attached by ClinVar (database versions not stated): ExAC 0.00001; gnomAD exomes 0.00001; gnomAD 0.00010; TOPMed 0.00011.
gnomAD v4.1: 25 of 1,614,200 alleles (0.0015%); highest among the groups gnomAD compares: African/African-American, 0.028%; no homozygotes.

Submission:

PreventionGenetics, part of Exact Sciences
Classification: Likely benign for TNS2-related condition. Last evaluated: 2021-07-21. Review status: no assertion criteria provided. Collection method: clinical testing. Allele origin: germline.
Comment: This variant is classified as likely benign based on ACMG/AMP sequence variant interpretation guidelines (Richards et al. 2015 PMID: 25741868, with internal and published modifications).